The following is an entry in ClinVar:

ClinVar aggregate classification (germline): Pathogenic (1 of 4 stars; one submission).

Submission:

Quest Diagnostics Nichols Institute San Juan Capistrano
Classification: Pathogenic. Last evaluated: 2023-03-22. Review status: criteria provided, single submitter. Criteria: ACMG/ClinGen CNV Guidelines, 2019. Collection method: clinical testing. Allele origin: unknown.
Comment: The recurrent copy number loss of 17q12 encompassing HNF1B is associated with chromosome 17q12 deletion syndrome (OMIM 614527, Rasmussen 2016). Thus, the clinical significance of this copy number variant (CNV) is pathogenic with variable expressivity. References: Rasmussen et al., Am J Med Genet A. 2016 Nov;170(11):2934-2942. PMID: 27409573. GeneReviews article on 17q12 Recurrent Deletion Syndrome, available from an online resource.

GRCh37/hg19 17q12(chr17:34822465-36244358)x1

Genes: AATF (apoptosis antagonizing transcription factor; plus strand), ACACA (acetyl-CoA carboxylase alpha; minus strand), C17orf78 (chromosome 17 open reading frame 78; plus strand), DDX52 (DExD-box helicase 52; minus strand), DHRS11 (dehydrogenase/reductase 11; plus strand) and 10 more. Cytogenetic location: 17q12.
Variant type: copy number loss.
Change: copy number 1 (one copy instead of two) of chr17:34,822,465-36,244,358 (1.42 Mb, GRCh37 coordinates, 1-based), cytogenetic band 17q12.
Identifiers: ClinVar variation 564436 (VCV000564436.3).